The following is an entry in ClinVar:

NM_006929.5(SKIC2):c.2443G>C (p.Gly815Arg)

Gene: SKIC2 (SKI2 subunit of superkiller complex; plus strand). Cytogenetic location: 6p21.33.
Variant type: single nucleotide variant.
Coding change: c.2443G>C on transcript NM_006929.5 (MANE Select); coding-DNA position 2443, G replaced by C.
Protein change: p.Gly815Arg; replaces glycine 815 with arginine.
Molecular consequence: missense variant.
Genome position (GRCh38, 1-based): chr6:31,967,106, G>C. VCF-style: chr6-31967106-G-C. GRCh37 (hg19) VCF-style: chr6-31934883-G-C.
Other names: c.2443G>C (NM_006929.4); short protein forms G815R.
Identifiers: ClinVar variation 1916057 (VCV001916057.3), dbSNP rs1012422525, ClinGen allele CA363473407.

ClinVar aggregate classification (germline): Uncertain significance (1 of 4 stars; one submission).

Conditions:
Trichohepatoenteric syndrome 2 (THES2). Identifiers: Orphanet 84064, MedGen C3281289, MONDO:0013818, OMIM 614602.

gnomAD v4.1: 2 of 1,612,580 alleles (0.00012%); highest among the groups gnomAD compares: South Asian, 0.0011%; no homozygotes.

Submission:

Labcorp Genetics (formerly Invitae), Labcorp
Classification: Uncertain significance. Last evaluated: 2022-08-19. Review status: criteria provided, single submitter. Criteria: Invitae Variant Classification Sherloc (09022015). Collection method: clinical testing. Allele origin: germline.
Comment: This sequence change replaces glycine, which is neutral and non-polar, with arginine, which is basic and polar, at codon 815 of the SKIV2L protein (p.Gly815Arg). This variant is not present in population databases (gnomAD no frequency). This variant has not been reported in the literature in individuals affected with SKIV2L-related conditions. Algorithms developed to predict the effect of missense changes on protein structure and function (SIFT, PolyPhen-2, Align-GVGD) all suggest that this variant is likely to be tolerated. In summary, the available evidence is currently insufficient to determine the role of this variant in disease. Therefore, it has been classified as a Variant of Uncertain Significance.